The following is an entry in ClinVar:

NM_138477.4(CDAN1):c.2433G>A (p.Ser811=)

Gene: CDAN1 (codanin 1; minus strand). Cytogenetic location: 15q15.2.
Variant type: single nucleotide variant.
Coding change: c.2433G>A on transcript NM_138477.4 (MANE Select); coding-DNA position 2433, G replaced by A.
Protein change: p.Ser811=; no amino-acid change (serine 811 retained).
Molecular consequence: synonymous variant.
Genome position (GRCh38, 1-based): chr15:42,729,337, C>T on the plus strand (G>A on the coding strand, the complement: CDAN1 is on the minus strand). VCF-style: chr15-42729337-C-T. GRCh37 (hg19) VCF-style: chr15-43021535-C-T.
Other names: c.2433G>A (NM_138477.2).
Identifiers: ClinVar variation 2721680 (VCV002721680.5), dbSNP rs766040108, ClinGen allele CA7515649.

ClinVar aggregate classification (germline): Likely benign. Review status: criteria provided, single submitter (1 of 4 stars). 2 submissions from 2 submitters: Likely benign (1). 1 of the submissions does not count toward it. Last evaluated 2025-12-21.

Conditions:
CDAN1-related disorder. Also called: CDAN1-related condition.

Allele frequency attached by ClinVar (database versions not stated): TOPMed 0.00011; gnomAD 0.00012.
gnomAD v4.1: 213 of 1,614,060 alleles (0.013%); highest among the groups gnomAD compares: Non-Finnish European, 0.016%; no homozygotes.

Submissions (2):

Labcorp Genetics (formerly Invitae), Labcorp
Classification: Likely benign. Last evaluated: 2025-12-21. Review status: criteria provided, single submitter. Criteria: Invitae Variant Classification Sherloc (09022015). Collection method: clinical testing. Allele origin: germline.

PreventionGenetics, part of Exact Sciences
Classification: Likely benign for CDAN1-related condition. Last evaluated: 2022-10-26. Review status: no assertion criteria provided. Collection method: clinical testing. Allele origin: germline. Not counted in ClinVar's aggregate classification.
Comment: This variant is classified as likely benign based on ACMG/AMP sequence variant interpretation guidelines (Richards et al. 2015 PMID: 25741868, with internal and published modifications).